The following is an entry in ClinVar:

NM_000454.5(SOD1):c.376G>C (p.Asp126His)

Gene: SOD1 (superoxide dismutase 1; plus strand). Cytogenetic location: 21q22.11.
Variant type: single nucleotide variant.
Coding change: c.376G>C on transcript NM_000454.5 (MANE Select); coding-DNA position 376, G replaced by C.
Protein change: p.Asp126His; replaces aspartic acid 126 with histidine.
Molecular consequence: missense variant.
Genome position (GRCh38, 1-based): chr21:31,668,489, G>C. VCF-style: chr21-31668489-G-C. GRCh37 (hg19) VCF-style: chr21-33040802-G-C.
Other names: short protein forms D126H.
Identifiers: ClinVar variation 2138378 (VCV002138378.5), dbSNP rs1568811372, ClinGen allele CA410037665.

ClinVar aggregate classification (germline): Conflicting classifications of pathogenicity. Review status: criteria provided, conflicting classifications (1 of 4 stars). 2 submissions from 2 submitters: Likely pathogenic (1); Uncertain significance (1). Last evaluated 2025-04-08.

Conditions:
Amyotrophic lateral sclerosis type 1 (ALS1). Also called: AMYOTROPHIC LATERAL SCLEROSIS 1, FAMILIAL. Identifiers: Orphanet 803, MedGen C1862939, MONDO:0007103, OMIM 105400.

Submissions (2):

3billion
Classification: Likely pathogenic for Amyotrophic lateral sclerosis type 1. Last evaluated: 2025-04-08. Review status: criteria provided, single submitter. Criteria: ACMG Guidelines, 2015. Collection method: clinical testing. Allele origin: germline. Affected: yes.

Labcorp Genetics (formerly Invitae), Labcorp
Classification: Uncertain significance for Amyotrophic lateral sclerosis type 1. Last evaluated: 2022-07-11. Review status: criteria provided, single submitter. Criteria: Invitae Variant Classification Sherloc (09022015). Collection method: clinical testing. Allele origin: germline.
Comment: This missense change has been observed in individual(s) with clinical features of amyotrophic lateral sclerosis (PMID: 8528216). This variant is not present in population databases (gnomAD no frequency). This sequence change replaces aspartic acid, which is acidic and polar, with histidine, which is basic and polar, at codon 126 of the SOD1 protein (p.Asp126His). This variant is also known as p.Asp125His. In summary, the available evidence is currently insufficient to determine the role of this variant in disease. Therefore, it has been classified as a Variant of Uncertain Significance. Experimental studies have shown that this missense change affects SOD1 function (PMID: 16945901, 19483195, 19635794, 20399791, 23280792, 25600987, 26084641). Advanced modeling of protein sequence and biophysical properties (such as structural, functional, and spatial information, amino acid conservation, physicochemical variation, residue mobility, and thermodynamic stability) performed at Invitae indicates that this missense variant is expected to disrupt SOD1 protein function.

Literature cited by the submitters: PubMed 19635794 (cited by 3billion and Labcorp Genetics (formerly Invitae), Labcorp); PubMed 32579787 (cited by 3billion); PubMed 26084641 (cited by 3billion and Labcorp Genetics (formerly Invitae), Labcorp); PubMed 25600987 (cited by 3billion and Labcorp Genetics (formerly Invitae), Labcorp); PubMed 19483195 (cited by 3billion and Labcorp Genetics (formerly Invitae), Labcorp); PubMed 16945901 (cited by 3billion and Labcorp Genetics (formerly Invitae), Labcorp); PubMed 8528216 (cited by 3billion and Labcorp Genetics (formerly Invitae), Labcorp); PubMed 23280792 (cited by 3billion and Labcorp Genetics (formerly Invitae), Labcorp); PubMed 20399791 (cited by 3billion and Labcorp Genetics (formerly Invitae), Labcorp).